The following is an entry in ClinVar:

NM_007317.3(KIF22):c.1957A>G (p.Ile653Val)

Gene: KIF22 (kinesin family member 22; plus strand). Cytogenetic location: 16p11.2.
Variant type: single nucleotide variant.
Coding change: c.1957A>G on transcript NM_007317.3 (MANE Select); coding-DNA position 1957, A replaced by G.
Protein change: p.Ile653Val; replaces isoleucine 653 with valine.
Molecular consequence: missense variant.
Genome position (GRCh38, 1-based): chr16:29,805,269, A>G. VCF-style: chr16-29805269-A-G. GRCh37 (hg19) VCF-style: chr16-29816590-A-G.
Other names: c.1753A>G, p.Ile585Val (NM_001256269.2, NM_001256270.1); c.1957A>G (NM_007317.1); short protein forms I585V, I653V.
Identifiers: ClinVar variation 2192126 (VCV002192126.5), dbSNP rs1214966657, ClinGen allele CA395463210.
Genomic context (GRCh38, chr16:29,805,269, plus strand): 5'-CTGCGCCCCGCGCCCCTCTCTAACGTCGCTGTCTCCCTCCCTCCTGTGTTGCAGGCAAAC[A>G]TCCTGGGTCTCGCCGCCGGCCAGCGCTGTGGCGCCTCCTGACCGTCGTCTCCTCACTCCG-3'
Protein context (NP_015556.1, residues 643-663): KQMESFLKAN[Ile653Val]LGLAAGQRCG

ClinVar aggregate classification (germline): Uncertain significance. Review status: criteria provided, multiple submitters, no conflicts (2 of 4 stars). 2 submissions from 2 submitters: Uncertain significance (2). Last evaluated 2025-01-16.

Allele frequency attached by ClinVar (database versions not stated): gnomAD exomes below 0.00001; gnomAD 0.00001; TOPMed 0.00003.
gnomAD v4.1: 5 of 1,613,898 alleles (0.00031%); highest among the groups gnomAD compares: African/African-American, 0.0053%; no homozygotes.

Submissions (2):

Ambry Genetics
Classification: Uncertain significance. Last evaluated: 2025-01-16. Review status: criteria provided, single submitter. Criteria: Ambry Variant Classification Scheme 2023. Collection method: clinical testing. Allele origin: germline.

Labcorp Genetics (formerly Invitae), Labcorp
Classification: Uncertain significance. Last evaluated: 2023-06-04. Review status: criteria provided, single submitter. Criteria: Invitae Variant Classification Sherloc (09022015). Collection method: clinical testing. Allele origin: germline.
Comment: In summary, the available evidence is currently insufficient to determine the role of this variant in disease. Therefore, it has been classified as a Variant of Uncertain Significance. An algorithm developed to predict the effect of missense changes on protein structure and function (PolyPhen-2) suggests that this variant is likely to be tolerated. ClinVar contains an entry for this variant (Variation ID: 2192126). This variant has not been reported in the literature in individuals affected with KIF22-related conditions. This variant is present in population databases (no rsID available, gnomAD 0.007%). This sequence change replaces isoleucine, which is neutral and non-polar, with valine, which is neutral and non-polar, at codon 653 of the KIF22 protein (p.Ile653Val).